The following is an entry in ClinVar:

NM_175875.5(SIX5):c.1563C>T (p.Ser521=)

Gene: SIX5 (SIX homeobox 5; minus strand). Cytogenetic location: 19q13.32.
Variant type: single nucleotide variant.
Coding change: c.1563C>T on transcript NM_175875.5 (MANE Select); coding-DNA position 1563, C replaced by T.
Protein change: p.Ser521=; no amino-acid change (serine 521 retained).
Molecular consequence: synonymous variant.
Genome position (GRCh38, 1-based): chr19:45,766,396, G>A on the plus strand (C>T on the coding strand, the complement: SIX5 is on the minus strand). VCF-style: chr19-45766396-G-A. GRCh37 (hg19) VCF-style: chr19-46269654-G-A.
Identifiers: ClinVar variation 3044173 (VCV003044173.3), dbSNP rs749074255, ClinGen allele CA9520602.

ClinVar aggregate classification (germline): Likely benign. Review status: criteria provided, single submitter (1 of 4 stars). 2 submissions from 2 submitters: Likely benign (1). 1 of the submissions does not count toward it. Last evaluated 2023-08-02.

Conditions:
SIX5-related disorder. Also called: SIX5-related condition.

Allele frequency attached by ClinVar (database versions not stated): gnomAD exomes 0.00008; gnomAD 0.00016; ExAC 0.00022.
gnomAD v4.1: 145 of 1,588,420 alleles (0.0091%); highest among the groups gnomAD compares: South Asian, 0.0069%; no homozygotes.

Submissions (2):

Blueprint Genetics
Classification: Likely benign. Last evaluated: 2023-08-02. Review status: criteria provided, single submitter. Criteria: ACMG Guidelines, 2015. Collection method: clinical testing. Allele origin: germline.

PreventionGenetics, part of Exact Sciences
Classification: Likely benign for SIX5-related condition. Last evaluated: 2019-06-20. Review status: no assertion criteria provided. Collection method: clinical testing. Allele origin: germline. Not counted in ClinVar's aggregate classification.
Comment: This variant is classified as likely benign based on ACMG/AMP sequence variant interpretation guidelines (Richards et al. 2015 PMID: 25741868, with internal and published modifications).